The following is an entry in ClinVar:

NM_000384.3(APOB):c.11406A>C (p.Gln3802His)

Gene: APOB (apolipoprotein B; minus strand). Cytogenetic location: 2p24.1.
Variant type: single nucleotide variant.
Coding change: c.11406A>C on transcript NM_000384.3 (MANE Select); coding-DNA position 11406, A replaced by C.
Protein change: p.Gln3802His; replaces glutamine 3802 with histidine.
Molecular consequence: missense variant.
Genome position (GRCh38, 1-based): chr2:21,005,462, T>G on the plus strand (A>C on the coding strand, the complement: APOB is on the minus strand). VCF-style: chr2-21005462-T-G. GRCh37 (hg19) VCF-style: chr2-21228334-T-G.
Other names: short protein forms Q3802H.
Identifiers: ClinVar variation 4125822 (VCV004125822.2), dbSNP rs1663101179.
Genomic context (GRCh38, chr2:21,005,462, plus strand): 5'-CACAGTTAACTGAGATTCAGGCACGGTTATCTCAAAAAAGGGAATCAAGGAGTCTTCTGG[T>G]TGAGAATATTTTGTTAACACATCAACTTCAGGGAATTTTACCTCGGGGAGTGTTGGTAGG-3'
Protein context (NP_000375.3, residues 3792-3812): PEVDVLTKYS[Gln3802His]PEDSLIPFFE

ClinVar aggregate classification (germline): Uncertain significance (1 of 4 stars; one submission).

Conditions:
Cardiovascular phenotype. Identifiers: MedGen CN230736.

Submission:

Ambry Genetics
Classification: Uncertain significance for Cardiovascular phenotype. Last evaluated: 2026-09-11. Review status: criteria provided, single submitter. Criteria: Ambry Variant Classification Scheme 2023. Collection method: clinical testing. Allele origin: germline.
Comment: The p.Q3802H variant (also known as c.11406A>C), located in coding exon 26 of the APOB gene, results from an A to C substitution at nucleotide position 11406. The glutamine at codon 3802 is replaced by histidine, an amino acid with highly similar properties. This amino acid position is conserved. In addition, this alteration is predicted to be tolerated by in silico analysis. Based on the available evidence, the clinical significance of this variant remains unclear.